The following is an entry in ClinVar:

ClinVar aggregate classification (germline): Uncertain significance (1 of 4 stars; one submission).

Submission:

Dasa
Classification: Uncertain significance. Last evaluated: 2025-09-15. Review status: criteria provided, single submitter. Criteria: DASA Assertion Criteria. Collection method: clinical testing. Allele origin: germline.
Comment: NM_003128.3(SPTBN1):c.6420+3T>G is a splice-region variant. This variant is absent from population databases. Computational prediction algorithms are consistent with a benign effect. The currently available literature and clinical evidence are not sufficient to establish a definitive association between this variant and the reported condition. Therefore, this variant is classified as a variant of uncertain significance.

NM_003128.3(SPTBN1):c.6420+3T>G

Gene: SPTBN1 (spectrin beta, non-erythrocytic 1; plus strand). Cytogenetic location: 2p16.2.
Variant type: single nucleotide variant.
Coding change: c.6420+3T>G on transcript NM_003128.3 (MANE Select); 3 bases into the intron after coding-DNA position 6420, T replaced by G.
Molecular consequence: intron variant. On other transcripts: synonymous variant (1).
Genome position (GRCh38, 1-based): chr2:54,660,002, T>G. VCF-style: chr2-54660002-T-G. GRCh37 (hg19) VCF-style: chr2-54887139-T-G.
Other names: c.6384T>G, p.Val2128= (NM_178313.3).
Identifiers: ClinVar variation 4885296 (VCV004885296.2).